The following is an entry in ClinVar:

ClinVar aggregate classification (germline): Uncertain significance. Review status: criteria provided, multiple submitters, no conflicts (2 of 4 stars). 2 submissions from 2 submitters: Uncertain significance (2). Last evaluated 2024-11-11.

Conditions:
Cardiovascular phenotype. Identifiers: MedGen CN230736.
Hypertrophic cardiomyopathy. Also called: HYPERTROPHIC MYOCARDIOPATHY. Identifiers: Orphanet 217569, MedGen C0007194, MeSH D002312, MONDO:0005045, HP:0001639.

Allele frequency attached by ClinVar (database versions not stated): gnomAD 0.00003; TOPMed 0.00003; ExAC 0.00004; gnomAD exomes 0.00004 and 0.00008; 1000 Genomes Project 30x 0.00016.
gnomAD v4.1: 65 of 1,614,060 alleles (0.004%); highest among the groups gnomAD compares: East Asian, 0.045%; no homozygotes.

Submissions (2):

Labcorp Genetics (formerly Invitae), Labcorp
Classification: Uncertain significance for Hypertrophic cardiomyopathy. Last evaluated: 2024-11-11. Review status: criteria provided, single submitter. Criteria: Invitae Variant Classification Sherloc (09022015). Collection method: clinical testing. Allele origin: germline.
Comment: This sequence change replaces asparagine, which is neutral and polar, with serine, which is neutral and polar, at codon 356 of the MYOM1 protein (p.Asn356Ser). This variant is present in population databases (rs773694035, gnomAD 0.1%), and has an allele count higher than expected for a pathogenic variant. This variant has not been reported in the literature in individuals affected with MYOM1-related conditions. ClinVar contains an entry for this variant (Variation ID: 520260). Invitae Evidence Modeling of protein sequence and biophysical properties (such as structural, functional, and spatial information, amino acid conservation, physicochemical variation, residue mobility, and thermodynamic stability) has been performed for this missense variant. However, the output from this modeling did not meet the statistical confidence thresholds required to predict the impact of this variant on MYOM1 protein function. In summary, the available evidence is currently insufficient to determine the role of this variant in disease. Therefore, it has been classified as a Variant of Uncertain Significance.

Ambry Genetics
Classification: Uncertain significance for Cardiovascular phenotype. Last evaluated: 2013-09-09. Review status: criteria provided, single submitter. Criteria: Ambry Autosomal Dominant and X-Linked criteria (10/2015). Collection method: clinical testing. Allele origin: germline. Observed: 1 variant allele.
Comment: The p.N356S variant (also known as c.1067A>G) is located in coding exon 6 of theMYOM1 gene. This alteration results from an A to G substitution at nucleotide position 1067. The asparagine at codon 356 is replaced by serine, an amino acid with highly similar properties.This variant was not reported in population-based cohorts in the following databases: Database of Single Nucleotide Polymorphisms (dbSNP), the 1000 Genomes Project and the NHLBI Exome Sequencing Project (ESP). In the ESP, this variant was not observed in 5988 samples (11976 alleles) with coverage at this position. Based on protein sequence alignment, this amino acid position is highly conserved in available vertebrate species.In addition, this alteration is predicted to be possibly damaging and deleterious by PolyPhen and SIFT in silico analyses, respectively. Since supporting evidence is limited at this time, the clinical significance of this variant remains unclear.

NM_003803.4(MYOM1):c.1067A>G (p.Asn356Ser)

Gene: MYOM1 (myomesin 1; minus strand). Cytogenetic location: 18p11.31.
Variant type: single nucleotide variant.
Coding change: c.1067A>G on transcript NM_003803.4 (MANE Select); coding-DNA position 1067, A replaced by G.
Protein change: p.Asn356Ser; replaces asparagine 356 with serine.
Molecular consequence: missense variant.
Genome position (GRCh38, 1-based): chr18:3,174,164, T>C on the plus strand (A>G on the coding strand, the complement: MYOM1 is on the minus strand). VCF-style: chr18-3174164-T-C. GRCh37 (hg19) VCF-style: chr18-3174162-T-C.
Other names: c.1067A>G, p.Asn356Ser (NM_019856.2); short protein forms N356S.
Identifiers: ClinVar variation 520260 (VCV000520260.12), dbSNP rs773694035, ClinGen allele CA8875073.